The following is an entry in ClinVar:

ClinVar aggregate classification (germline): Uncertain significance (1 of 4 stars; one submission).

Allele frequency attached by ClinVar (database versions not stated): TOPMed below 0.00001; gnomAD exomes 0.00001.
gnomAD v4.1: 11 of 1,614,274 alleles (0.00068%); highest among the groups gnomAD compares: East Asian, 0.016%; no homozygotes.

Submission:

Ambry Genetics
Classification: Uncertain significance. Last evaluated: 2023-10-16. Review status: criteria provided, single submitter. Criteria: Ambry Variant Classification Scheme 2023. Collection method: clinical testing. Allele origin: germline.
Comment: The p.K241E variant (also known as c.721A>G), located in coding exon 3 of the ALPK2 gene, results from an A to G substitution at nucleotide position 721. The lysine at codon 241 is replaced by glutamic acid, an amino acid with similar properties. This amino acid position is conserved. In addition, this alteration is predicted to be tolerated by in silico analysis. Since supporting evidence is limited at this time, the clinical significance of this alteration remains unclear.

NM_052947.4(ALPK2):c.721A>G (p.Lys241Glu)

Genes: ALPK2 (alpha kinase 2; minus strand), LOC114803473 (ALPK2 eExon liver enhancer; plus strand). Cytogenetic location: 18q21.31.
Variant type: single nucleotide variant.
Coding change: c.721A>G on transcript NM_052947.4 (MANE Select); coding-DNA position 721, A replaced by G.
Protein change: p.Lys241Glu; replaces lysine 241 with glutamic acid.
Molecular consequence: missense variant.
Genome position (GRCh38, 1-based): chr18:58,580,055, T>C on the plus strand (A>G on the coding strand, the complement: ALPK2 is on the minus strand). VCF-style: chr18-58580055-T-C. GRCh37 (hg19) VCF-style: chr18-56247287-T-C.
Other names: short protein forms K241E.
Identifiers: ClinVar variation 1757749 (VCV001757749.2), dbSNP rs1241133391, ClinGen allele CA402567355.